The following is an entry in ClinVar:

ClinVar aggregate classification (germline): Benign/Likely benign. Review status: criteria provided, multiple submitters, no conflicts (2 of 4 stars). 2 submissions from 2 submitters: Benign (1); Likely benign (1). Last evaluated 2024-03-26.

Conditions:
Familial adenomatous polyposis 1 (FAP1). Also called: FAMILIAL ADENOMATOUS POLYPOSIS 1, ATTENUATED; POLYPOSIS, ADENOMATOUS INTESTINAL. Identifiers: MedGen C2713442, MONDO:0021056, OMIM 175100. Disease mechanism: loss of function.

gnomAD v4.1: 1 of 1,614,020 alleles (0.000062%); highest among the groups gnomAD compares: Non-Finnish European, 0.000085%; no homozygotes.

Submissions (2):

Myriad Genetics, Inc.
Classification: Benign for Familial adenomatous polyposis 1. Last evaluated: 2024-03-26. Review status: criteria provided, single submitter. Criteria: Myriad Autosomal Dominant, Autosomal Recessive and X-Linked Classification Criteria (2023). Collection method: clinical testing. Allele origin: unknown.
Comment: This variant is considered benign. This variant is a silent/synonymous amino acid change and it is not expected to impact splicing.

Labcorp Genetics (formerly Invitae), Labcorp
Classification: Likely benign for Familial adenomatous polyposis 1. Last evaluated: 2023-11-24. Review status: criteria provided, single submitter. Criteria: Invitae Variant Classification Sherloc (09022015). Collection method: clinical testing. Allele origin: germline.

NM_000038.6(APC):c.4236A>T (p.Gly1412=)

Gene: APC (APC regulator of Wnt signaling pathway; plus strand). Cytogenetic location: 5q22.2.
Variant type: single nucleotide variant.
Coding change: c.4236A>T on transcript NM_000038.6 (MANE Select); coding-DNA position 4236, A replaced by T.
Protein change: p.Gly1412=; no amino-acid change (glycine 1412 retained).
Molecular consequence: synonymous variant. On other transcripts: non-coding transcript variant (2).
Genome position (GRCh38, 1-based): chr5:112,839,830, A>T. VCF-style: chr5-112839830-A-T. GRCh37 (hg19) VCF-style: chr5-112175527-A-T.
Other names: c.4236A>T, p.Gly1412= (NM_001127510.3, NM_001354895.2, NM_001407450.1); c.4182A>T, p.Gly1394= (NM_001127511.3); c.4290A>T, p.Gly1430= (NM_001354896.2, NM_001407447.1, NM_001407448.1 and 1 more transcripts); c.4266A>T, p.Gly1422= (NM_001354897.2); c.4161A>T, p.Gly1387= (NM_001354898.2); c.4152A>T, p.Gly1384= (NM_001354899.2); c.4113A>T, p.Gly1371= (NM_001354900.2); c.4059A>T, p.Gly1353= (NM_001354901.2, NM_001407453.1); and 11 more.
Identifiers: ClinVar variation 2698719 (VCV002698719.4), dbSNP rs2149909671, ClinGen allele CA445964232.
Genomic context (GRCh38, chr5:112,839,830, plus strand): 5'-ACTTGATAGTTTTGAGAGTCGTTCGATTGCCAGCTCCGTTCAGAGTGAACCATGCAGTGG[A>T]ATGGTAAGTGGCATTATAAGCCCCAGTGATCTTCCAGATAGCCCTGGACAAACCATGCCA-3'
Protein context (NP_000029.2, residues 1402-1422): ASSVQSEPCS[Gly1412=]MVSGIISPSD